The following is an entry in ClinVar:

NM_017491.5(WDR1):c.1409G>A (p.Arg470His)

Gene: WDR1 (WD repeat domain 1; minus strand). Cytogenetic location: 4p16.1.
Variant type: single nucleotide variant.
Coding change: c.1409G>A on transcript NM_017491.5 (MANE Select); coding-DNA position 1409, G replaced by A.
Protein change: p.Arg470His; replaces arginine 470 with histidine.
Molecular consequence: missense variant.
Genome position (GRCh38, 1-based): chr4:10,077,913, C>T on the plus strand (G>A on the coding strand, the complement: WDR1 is on the minus strand). VCF-style: chr4-10077913-C-T. GRCh37 (hg19) VCF-style: chr4-10079537-C-T.
Other names: c.989G>A, p.Arg330His (NM_005112.5); short protein forms R330H, R470H.
Identifiers: ClinVar variation 3897999 (VCV003897999.2).

ClinVar aggregate classification (germline): Uncertain significance. Review status: criteria provided, multiple submitters, no conflicts (2 of 4 stars). 2 submissions from 2 submitters: Uncertain significance (2). Last evaluated 2024-02-01.

Conditions:
Lazy leukocyte syndrome. Identifiers: Orphanet 652522, MedGen C0272174, MONDO:0007883, OMIM 150550.

gnomAD v4.1: 50 of 1,606,072 alleles (0.0031%); highest among the groups gnomAD compares: South Asian, 0.0089%; no homozygotes.

Submissions (2):

Neuberg Centre For Genomic Medicine, NCGM
Classification: Uncertain significance for Lazy leukocyte syndrome. Last evaluated: 2024-02-01. Review status: criteria provided, single submitter. Criteria: ACMG Guidelines, 2015. Collection method: clinical testing. Allele origin: germline. Inheritance: Autosomal recessive inheritance.
Comment: The missense c.1409G>A (p.Arg470His) variant in WDR1 gene has not been reported previously as a pathogenic variant nor as a benign variant, to our knowledge. In absence of another reportable variant in WDR1 gene, the molecular diagnosis is no confirmed.

Blueprint Genetics
Classification: Uncertain significance. Last evaluated: 2020-08-24. Review status: criteria provided, single submitter. Criteria: ACMG Guidelines, 2015. Collection method: clinical testing. Allele origin: germline.